The following is an entry in ClinVar:

NM_000108.5(DLD):c.988G>T (p.Glu330Ter)

Gene: DLD (dihydrolipoamide dehydrogenase; plus strand). Cytogenetic location: 7q31.1.
Variant type: single nucleotide variant.
Coding change: c.988G>T on transcript NM_000108.5 (MANE Select); coding-DNA position 988, G replaced by T.
Protein change: p.Glu330Ter; replaces glutamic acid 330 with a stop codon.
Molecular consequence: nonsense.
Genome position (GRCh38, 1-based): chr7:107,916,906, G>T. VCF-style: chr7-107916906-G-T. GRCh37 (hg19) VCF-style: chr7-107557351-G-T.
Other names: c.691G>T, p.Glu231Ter (NM_001289750.1); c.919G>T, p.Glu307Ter (NM_001289751.1); c.844G>T, p.Glu282Ter (NM_001289752.1); short protein forms E330*, E307*, E231*, E282*.
Identifiers: ClinVar variation 2744285 (VCV002744285.3), dbSNP rs2535601329, ClinGen allele CA368857767.

ClinVar aggregate classification (germline): Pathogenic (1 of 4 stars; one submission).

Conditions:
Pyruvate dehydrogenase E3 deficiency (DLDD). Also called: Lipoamide dehydrogenase deficiency; Lipoamide dehydrogenase deficiency, lactic acidosis due to; Dihydrolipoamide Dehydrogenase E3 Deficiency; Dihydrolipoamide Dehydrogenase (E3) Deficiency; MAPLE SYRUP URINE DISEASE, TYPE III; Dihydrolipoamide Dehydrogenase Deficiency. Identifiers: Orphanet 2394, Orphanet 765, MedGen C5574660, MONDO:0009529, OMIM 246900.

Submission:

Labcorp Genetics (formerly Invitae), Labcorp
Classification: Pathogenic for Pyruvate dehydrogenase E3 deficiency. Last evaluated: 2023-07-17. Review status: criteria provided, single submitter. Criteria: Invitae Variant Classification Sherloc (09022015). Collection method: clinical testing. Allele origin: germline.
Comment: For these reasons, this variant has been classified as Pathogenic. This variant has not been reported in the literature in individuals affected with DLD-related conditions. This variant is not present in population databases (gnomAD no frequency). This sequence change creates a premature translational stop signal (p.Glu330*) in the DLD gene. It is expected to result in an absent or disrupted protein product. Loss-of-function variants in DLD are known to be pathogenic (PMID: 8968745, 9934985).

Literature cited by the submitters: PubMed 8968745; PubMed 9934985.